The following is an entry in ClinVar:

NM_031935.3(HMCN1):c.2790+3A>G

Gene: HMCN1 (hemicentin 1; plus strand). Cytogenetic location: 1q31.1.
Variant type: single nucleotide variant.
Coding change: c.2790+3A>G on transcript NM_031935.3 (MANE Select); 3 bases into the intron after coding-DNA position 2790, A replaced by G.
Molecular consequence: intron variant.
Genome position (GRCh38, 1-based): chr1:185,982,392, A>G. VCF-style: chr1-185982392-A-G. GRCh37 (hg19) VCF-style: chr1-185951524-A-G.
Identifiers: ClinVar variation 3618957 (VCV003618957.2).

ClinVar aggregate classification (germline): Uncertain significance (1 of 4 stars; one submission).

gnomAD v4.1: 4 of 1,612,798 alleles (0.00025%); highest among the groups gnomAD compares: Non-Finnish European, 0.00017%; no homozygotes.

Submission:

Labcorp Genetics (formerly Invitae), Labcorp
Classification: Uncertain significance. Last evaluated: 2024-06-11. Review status: criteria provided, single submitter. Criteria: Invitae Variant Classification Sherloc (09022015). Collection method: clinical testing. Allele origin: germline.
Comment: This sequence change falls in intron 18 of the HMCN1 gene. It does not directly change the encoded amino acid sequence of the HMCN1 protein. It affects a nucleotide within the consensus splice site. This variant is present in population databases (no rsID available, gnomAD 0.01%). This variant has not been reported in the literature in individuals affected with HMCN1-related conditions. Variants that disrupt the consensus splice site are a relatively common cause of aberrant splicing (PMID: 17576681, 9536098). Algorithms developed to predict the effect of sequence changes on RNA splicing suggest that this variant is not likely to affect RNA splicing. In summary, the available evidence is currently insufficient to determine the role of this variant in disease. Therefore, it has been classified as a Variant of Uncertain Significance.

Literature cited by the submitters: PubMed 17576681; PubMed 9536098.